The following is an entry in ClinVar:

ClinVar aggregate classification (germline): Pathogenic/Likely pathogenic. Review status: criteria provided, multiple submitters, no conflicts (2 of 4 stars). 2 submissions from 2 submitters: Pathogenic (1); Likely pathogenic (1). Last evaluated 2025-09-26.

Conditions:
Pigmentary pallidal degeneration (NBIA1). Also called: HARP SYNDROME; Neurodegeneration with brain iron accumulation 1; PKAN NEUROAXONAL DYSTROPHY, JUVENILE-ONSET; Pantothenate Kinase-Associated Neurodegeneration; Neuroaxonal dystrophy, late infantile; Hallervorden-Spatz disease. Identifiers: Orphanet 157850, MedGen C0018523, MONDO:0009319, OMIM 234200.

Allele frequency attached by ClinVar (database versions not stated): gnomAD exomes below 0.00001.
gnomAD v4.1: 1 of 1,614,246 alleles (0.000062%); highest among the groups gnomAD compares: East Asian, 0.0022%; no homozygotes.

Submissions (2):

Women's Health and Genetics/Laboratory Corporation of America, LabCorp
Classification: Likely pathogenic for Pigmentary pallidal degeneration. Last evaluated: 2025-09-26. Review status: criteria provided, single submitter. Criteria: LabCorp Variant Classification Summary - May 2015. Collection method: clinical testing. Allele origin: germline.
Comment: Variant summary: PANK2 c.1607A>G (p.Tyr536Cys) results in a non-conservative amino acid change located in the catalytic core (211-570 aa, Pan_2013) of the encoded protein sequence. Algorithms developed to predict the effect of missense changes on protein structure and function all suggest that this variant is likely to be disruptive. The variant allele was found at a frequency of 4e-06 in 252688 control chromosomes. c.1607A>G has been reported in the literature in individuals affected with Pantothenate Kinase-Associated Neurodegeneration (Lim_2011, Pan_2013, Yang_2002) These data indicate that the variant may be associated with disease. To our knowledge, no experimental evidence demonstrating an impact on protein function has been reported. The following publications have been ascertained in the context of this evaluation (PMID: 26828213, 22103354, 24689511, 23644322, 35246191). ClinVar contains an entry for this variant (Variation ID: 1321409). Based on the evidence outlined above, the variant was classified as likely pathogenic.

Labcorp Genetics (formerly Invitae), Labcorp
Classification: Pathogenic for Pigmentary pallidal degeneration. Last evaluated: 2023-11-17. Review status: criteria provided, single submitter. Criteria: Invitae Variant Classification Sherloc (09022015). Collection method: clinical testing. Allele origin: germline.
Comment: This sequence change replaces tyrosine, which is neutral and polar, with cysteine, which is neutral and slightly polar, at codon 536 of the PANK2 protein (p.Tyr536Cys). This variant is present in population databases (no rsID available, gnomAD 0.006%). This missense change has been observed in individual(s) with PANK2-related conditions (PMID: 22103354, 35246191). In at least one individual the data is consistent with being in trans (on the opposite chromosome) from a pathogenic variant. ClinVar contains an entry for this variant (Variation ID: 1321409). Advanced modeling of protein sequence and biophysical properties (such as structural, functional, and spatial information, amino acid conservation, physicochemical variation, residue mobility, and thermodynamic stability) performed at Invitae indicates that this missense variant is expected to disrupt PANK2 protein function with a positive predictive value of 95%. For these reasons, this variant has been classified as Pathogenic.

Literature cited by the submitters: PubMed 26828213 (cited by Women's Health and Genetics/Laboratory Corporation of America, LabCorp); PubMed 22103354 (cited by Women's Health and Genetics/Laboratory Corporation of America, LabCorp and Labcorp Genetics (formerly Invitae), Labcorp); PubMed 24689511 (cited by Women's Health and Genetics/Laboratory Corporation of America, LabCorp); PubMed 23644322 (cited by Women's Health and Genetics/Laboratory Corporation of America, LabCorp); PubMed 35246191 (cited by Women's Health and Genetics/Laboratory Corporation of America, LabCorp and Labcorp Genetics (formerly Invitae), Labcorp).

NM_001386393.1(PANK2):c.1277A>G (p.Tyr426Cys)

Gene: PANK2 (pantothenate kinase 2; plus strand). Cytogenetic location: 20p13.
Variant type: single nucleotide variant.
Coding change: c.1277A>G on transcript NM_001386393.1 (MANE Select); coding-DNA position 1277, A replaced by G.
Protein change: p.Tyr426Cys; replaces tyrosine 426 with cysteine.
Molecular consequence: missense variant. On other transcripts: non-coding transcript variant (1).
Genome position (GRCh38, 1-based): chr20:3,918,741, A>G. VCF-style: chr20-3918741-A-G. GRCh37 (hg19) VCF-style: chr20-3899388-A-G.
Other names: c.734A>G, p.Tyr245Cys (NM_001324191.2, NM_024960.6, NM_153640.4); c.299A>G, p.Tyr100Cys (NM_001324193.2); c.1607A>G, p.Tyr536Cys (NM_153638.4); short protein forms Y100C, Y245C, Y426C, Y536C.
Identifiers: ClinVar variation 1321409 (VCV001321409.6), dbSNP rs1193865095, ClinGen allele CA408120575.